The following is an entry in ClinVar:

ClinVar aggregate classification (germline): Uncertain significance (1 of 4 stars; one submission).

Submission:

GeneDx
Classification: Uncertain significance. Last evaluated: 2024-04-23. Review status: criteria provided, single submitter. Criteria: GeneDx Variant Classification Process June 2021. Collection method: clinical testing. Allele origin: germline. Affected: yes.
Comment: Not observed at significant frequency in large population cohorts (gnomAD); Missense variant in a gene in which most reported pathogenic variants are truncating/loss of function; Has not been previously published as pathogenic or benign to our knowledge

NM_001267550.2(TTN):c.25846G>C (p.Asp8616His)

Gene: TTN (titin; minus strand). Cytogenetic location: 2q31.2.
Variant type: single nucleotide variant.
Coding change: c.25846G>C on transcript NM_001267550.2 (MANE Select); coding-DNA position 25846, G replaced by C.
Protein change: p.Asp8616His; replaces aspartic acid 8616 with histidine.
Molecular consequence: missense variant. On other transcripts: intron variant (3).
Genome position (GRCh38, 1-based): chr2:178,715,568, C>G on the plus strand (G>C on the coding strand, the complement: TTN is on the minus strand). VCF-style: chr2-178715568-C-G. GRCh37 (hg19) VCF-style: chr2-179580295-C-G.
Other names: c.24895G>C, p.Asp8299His (NM_001256850.1); c.22114G>C, p.Asp7372His (NM_133378.4); c.13282+22514G>C (NM_003319.4); c.13858+22514G>C (NM_133437.4); c.13657+22514G>C (NM_133432.3); short protein forms D7372H, D8299H, D8616H.
Identifiers: ClinVar variation 3372846 (VCV003372846.1).
Genomic context (GRCh38, chr2:178,715,568, plus strand): 5'-ATGTGCTGCTGCTGGCACTGCCTGCTGCATTGTGGGCCTCACAGGTGTAGTCTCCACTGT[C>G]TTCAACACTGAGATTGTGCATTTCCAGCACAGCCACCGAGTCAACGAATGACATTCTGAA-3'
Protein context (NP_001254479.2, residues 8606-8626): VLEMHNLSVE[Asp8616His]SGDYTCEAHN